The following is an entry in ClinVar:

NM_000130.5(F5):c.6087G>A (p.Glu2029=)

Gene: F5 (coagulation factor V; minus strand). Cytogenetic location: 1q24.2.
Variant type: single nucleotide variant.
Coding change: c.6087G>A on transcript NM_000130.5 (MANE Select); coding-DNA position 6087, G replaced by A.
Protein change: p.Glu2029=; no amino-acid change (glutamic acid 2029 retained).
Molecular consequence: synonymous variant.
Genome position (GRCh38, 1-based): chr1:169,520,626, C>T on the plus strand (G>A on the coding strand, the complement: F5 is on the minus strand). VCF-style: chr1-169520626-C-T. GRCh37 (hg19) VCF-style: chr1-169489864-C-T.
Identifiers: ClinVar variation 740942 (VCV000740942.4), dbSNP rs549481773, ClinGen allele CA1233319.

ClinVar aggregate classification (germline): Likely benign. Review status: criteria provided, multiple submitters, no conflicts (2 of 4 stars). 2 submissions from 2 submitters: Likely benign (2). Last evaluated 2026-03-22.

Conditions:
F5-related disorder. Also called: F5-related condition.

Allele frequency attached by ClinVar (database versions not stated): TOPMed 0.00004.

Submissions (2):

PreventionGenetics, part of Exact Sciences
Classification: Likely benign for F5-related condition. Last evaluated: 2026-03-22. Review status: criteria provided, single submitter. Criteria: ACMG Guidelines, 2015. Collection method: clinical testing. Allele origin: germline.
Comment: This variant is classified as likely benign based on ACMG/AMP sequence variant interpretation guidelines (Richards et al. 2015 PMID: 25741868, with internal and published modifications).

Labcorp Genetics (formerly Invitae), Labcorp
Classification: Likely benign. Last evaluated: 2018-03-29. Review status: criteria provided, single submitter. Criteria: Invitae Variant Classification Sherloc (09022015). Collection method: clinical testing. Allele origin: germline.